The following is an entry in ClinVar:

ClinVar aggregate classification (germline): Pathogenic/Likely pathogenic. Review status: criteria provided, multiple submitters, no conflicts (2 of 4 stars). 16 submissions from 15 submitters: Pathogenic (7); Likely pathogenic (5). 4 of the submissions do not count toward it. Last evaluated 2026-01-08.

Conditions:
BRCA2-related disorder. Also called: BRCA2-related condition; BRCA2-related disorders. Identifiers: MedGen CN239275.
Familial cancer of breast. Also called: BREAST CANCER, FAMILIAL; hereditary breast carcinoma; Hereditary breast cancer. Identifiers: Orphanet 227535, MedGen C0346153, MONDO:0016419, OMIM 114480. Disease mechanism: loss of function.
Breast-ovarian cancer, familial, susceptibility to, 2 (BROVCA2). Also called: BRCA2 Hereditary Breast and Ovarian Cancer. Identifiers: Orphanet 145, MedGen C2675520, MONDO:0012933, OMIM 612555. Disease mechanism: loss of function.
Hereditary breast ovarian cancer syndrome. Also called: Hereditary breast and ovarian cancer syndrome (HBOC); Breast and ovarian cancer; Hereditary breast and ovarian cancer syndrome; Hereditary breast and ovarian cancer; BRCA1- and BRCA2-Associated Hereditary Breast and Ovarian Cancer; Hereditary breast and/or ovarian cancer syndrome. Identifiers: Orphanet 145, MedGen C0677776, MeSH D061325, MONDO:0003582. Disease mechanism: loss of function.
Hereditary cancer-predisposing syndrome. Also called: Hereditary Cancer Syndrome; Neoplastic Syndromes, Hereditary; Hereditary neoplastic syndrome; Tumor predisposition. Identifiers: Orphanet 140162, MedGen C0027672, MeSH D009386, MONDO:0015356.
Breast-ovarian cancer, familial, susceptibility to, 1 (BROVCA1). Also called: BRCA1 Hereditary Breast and Ovarian Cancer; OVARIAN CANCER, SUSCEPTIBILITY TO. Identifiers: Orphanet 145, MedGen C2676676, MONDO:0011450, OMIM 604370. Disease mechanism: loss of function.

Submissions 1 to 7 of 16:

PreventionGenetics, part of Exact Sciences
Classification: Likely pathogenic for BRCA2-related condition. Last evaluated: 2026-01-08. Review status: criteria provided, single submitter. Criteria: ACMG Guidelines, 2015. Collection method: clinical testing. Allele origin: germline.
Comment: The BRCA2 c.8954-5A>G variant is predicted to interfere with splicing. This variant has been reported in multiple individuals with breast and/or ovarian cancer and is reported to segregate with disease (Menéndez et al. 2012. PubMed ID: 21735045; Santos et al. 2014. PubMed ID: 24607278; Bhaskaran et al. 2019. PubMed ID: 30702160; Zhang et al. 2024. PubMed ID: 38167124; Peixoto et al. 2014. PubMed ID: 24916970; de Juan Jiménez et al. 2013. PubMed ID: 23479189). This variant has not been reported in a large population database (gnomAD), indicating this variant is rare. Functional studies show this variant results in an alternative splicing mechanism and partial intron retention resulting in an out of frame product (Menéndez et al. 2012. PubMed ID: 21735045; Santos et al. 2014. PubMed ID: 24607278; Baert et al. 2018. PubMed ID: 29280214). This variant is consistently interpreted as likely pathogenic and pathogenic in ClinVar (Variation ID: 267712). This variant is interpreted as likely pathogenic.

Ambry Genetics
Classification: Likely pathogenic for Hereditary cancer-predisposing syndrome. Last evaluated: 2025-05-29. Review status: criteria provided, single submitter. Criteria: Ambry Variant Classification Scheme 2023. Collection method: clinical testing. Allele origin: germline.
Comment: The c.8954-5A>G intronic variant results from an A to G substitution 5 nucleotides upstream from coding exon 22 in the BRCA2 gene. This variant has been identified in several hereditary breast cancer families and was found to segregate with disease in one family (Men&eacute;ndez M et al. Breast Cancer Res. Treat., 2012 Apr;132:979-92; Santos C et al. J Mol Diagn, 2014 May;16:324-34; de Juan Jim&eacute;nez I et al. Fam. Cancer, 2013 Dec;12:767-77). This nucleotide position is well conserved in available vertebrate species. In silico splice site analysis predicts that this alteration will weaken the native splice acceptor site and will result in the creation or strengthening of a novel splice acceptor site. RT-PCR and minigene analyses determined that this alteration results in the creation of a novel splice acceptor site that causes an out of frame retention of 4 nucleotides of intron 21 (also called intron 22 in the literature) and results in a truncated mRNA transcript (Amrby internal data; Men&eacute;ndez M et al. Breast Cancer Res. Treat., 2012 Apr;132:979-92; de Garibay GR et al. Hum. Mutat., 2014 Jan;35:53-7; Santos C et al. J Mol Diagn, 2014 May;16:324-34; Baert A et al. Hum. Mutat. 2018 Apr;39(4):515-526). This variant is considered to be rare based on population cohorts in the Genome Aggregation Database (gnomAD). Based on the majority of available evidence to date, this variant is likely to be pathogenic.

Quest Diagnostics Nichols Institute San Juan Capistrano
Classification: Pathogenic. Last evaluated: 2025-03-19. Review status: criteria provided, single submitter. Criteria: Quest Diagnostics criteria. Collection method: clinical testing. Allele origin: unknown.
Comment: The BRCA2 c.8954-5A>G variant has been reported in the published literature in multiple individuals and families affected with breast and/or ovarian cancer (BOC) (PMID: 21735045 (2012), 23479189 (2013), 24123850 (2014), 24607278 (2014), 24916970 (2015), 26187060 (2015), 30415210 (2018), 35918668 (2022), 38671360 (2024)). It was also reported to co-segregate in a BOC family (PMID: 24607278 (2014)). Analysis of RNA from several breast cancer patients and in vitro minigene analysis have shown that this variant forms a cryptic splice acceptor site that causes aberrant splicing and no full-length transcript (PMID: 21735045 (2012), 24123850 (2014), 24607278 (2014), 29280214 (2018)). This variant has not been reported in large, multi-ethnic general populations (Genome Aggregation Database). Based on the available information, this variant is classified as pathogenic.

Labcorp Genetics (formerly Invitae), Labcorp
Classification: Pathogenic for Hereditary breast ovarian cancer syndrome. Last evaluated: 2025-02-16. Review status: criteria provided, single submitter. Criteria: Invitae Variant Classification Sherloc (09022015). Collection method: clinical testing. Allele origin: germline.
Comment: This sequence change falls in intron 22 of the BRCA2 gene. It does not directly change the encoded amino acid sequence of the BRCA2 protein. RNA analysis indicates that this variant induces altered splicing and may result in an absent or altered protein product. This variant is not present in population databases (gnomAD no frequency). This variant has been observed in individual(s) with breast cancer and/or hereditary breast and ovarian cancer (PMID: 21735045, 23479189, 24123850, 24607278, 24916970, 30702160). It has also been observed to segregate with disease in related individuals. ClinVar contains an entry for this variant (Variation ID: 267712). Studies have shown that this variant alters mRNA splicing and is expected to lead to the loss of protein expression (PMID: 21735045, 24123850, 24607278; internal data). For these reasons, this variant has been classified as Pathogenic.

Institute of Human Genetics, University of Leipzig Medical Center
Classification: Pathogenic for Familial cancer of breast. Last evaluated: 2024-02-26. Review status: criteria provided, single submitter. Criteria: ACMG Guidelines, 2015. Collection method: clinical testing. Allele origin: maternal. Inheritance: Autosomal dominant inheritance. Affected: yes.
Comment: Criteria applied: PVS1,PM5_STR,PM2_SUP

Institute of Human Genetics, University of Leipzig Medical Center
Classification: Likely pathogenic for Breast-ovarian cancer, familial, susceptibility to, 1. Last evaluated: 2023-01-27. Review status: criteria provided, single submitter. Criteria: ACMG Guidelines, 2015. Collection method: clinical testing. Allele origin: unknown. Affected: yes.
Comment: _x000D_ Criteria applied: PS3_MOD, PS4_MOD, PM2_SUP, PP3

Color Diagnostics, LLC DBA Color Health
Classification: Pathogenic for Hereditary cancer-predisposing syndrome. Last evaluated: 2022-10-10. Review status: criteria provided, single submitter. Criteria: ACMG Guidelines, 2015. Collection method: clinical testing. Allele origin: germline.
Comment: This variant causes an A to G nucleotide substitution at the -5 position of intron 22 of the BRCA2 gene. RNA studies found that this variant causes out-of-frame splicing of intron 22 (PMID: 21735045, 24123850, 24607278, 29280214), resulting in premature truncation. This variant has been reported in at least seven individuals affected with breast or ovarian cancer (PMID: 23479189, 24607278, 26187060, 35918668, DOI: 10.5603/OCP.2020.0026) and in families suspected of being affected with hereditary breast and ovarian cancer (PMID: 21735045, 24123850, 30415210, 33875706). This variant has not been identified in the general population by the Genome Aggregation Database (gnomAD). Loss of BRCA2 function is a known mechanism of disease. Based on the available evidence, this variant is classified as Pathogenic.

NM_000059.4(BRCA2):c.8954-5A>G

Gene: BRCA2 (BRCA2 DNA repair associated; plus strand). Cytogenetic location: 13q13.1.
Variant type: single nucleotide variant.
Coding change: c.8954-5A>G on transcript NM_000059.4 (MANE Select); 5 bases into the intron before coding-DNA position 8954, A replaced by G.
Molecular consequence: intron variant.
Genome position (GRCh38, 1-based): chr13:32,379,745, A>G. VCF-style: chr13-32379745-A-G. GRCh37 (hg19) VCF-style: chr13-32953882-A-G.
Identifiers: ClinVar variation 267712 (VCV000267712.36), dbSNP rs886040949, ClinGen allele CA10602555.